The following is an entry in ClinVar:

ClinVar aggregate classification (germline): Pathogenic (1 of 4 stars; one submission).

Conditions:
Inborn genetic diseases. Identifiers: MedGen C0950123, MeSH D030342.

Submission:

Ambry Genetics
Classification: Pathogenic for Inborn genetic diseases. Last evaluated: 2022-07-25. Review status: criteria provided, single submitter. Criteria: Ambry Variant Classification Scheme 2023. Collection method: clinical testing. Allele origin: germline.
Comment: The c.779_786delTCCTGTGC (p.L260Rfs*67) alteration, located in exon 8 (coding exon 8) of the WDR4 gene, consists of a deletion of 8 nucleotides from position 779 to 786, causing a translational frameshift with a predicted alternate stop codon after 67 amino acids. This alteration is expected to result in loss of function by premature protein truncation or nonsense-mediated mRNA decay. This variant was not reported in population-based cohorts in the Genome Aggregation Database (gnomAD). Based on the available evidence, this alteration is classified as pathogenic.

NM_018669.6(WDR4):c.779_786del (p.Leu260fs)

Gene: WDR4 (WDR4 tRNA N7-guanosine methyltransferase non-catalytic subunit; minus strand). Cytogenetic location: 21q22.3.
Variant type: Deletion.
Coding change: c.779_786del on transcript NM_018669.6 (MANE Select); coding-DNA positions 779 to 786, 8 bases deleted (TCCTGTGC; older notation c.779_786delTCCTGTGC).
Protein change: p.Leu260fs; shifts the reading frame from leucine 260.
Molecular consequence: frameshift variant. On other transcripts: non-coding transcript variant (1).
Genome position (GRCh38, 1-based): chr21:42,854,567-42,854,574, GCACAGGA deleted on the plus strand (TCCTGTGC on the coding strand, the reverse complement: WDR4 is on the minus strand); deleting any 8 consecutive bases within chr21:42,854,567-42,854,576 gives the same sequence; the c. name uses the placement nearest the transcript's 3' end. VCF-style (leftmost placement, unchanged base first): chr21-42854566-CGCACAGGA-C. GRCh37 (hg19) VCF-style: chr21-44274676-CGCACAGGA-C.
Other names: c.776_783del, p.Leu259fs (NM_001260474.2); c.341_348del, p.Leu114fs (NM_001260475.2, NM_001260476.2, NM_001260477.2); c.779_786del, p.Leu260fs (NM_033661.5); c.339_346delGCTCCTGT, p.Leu114Argfs (NM_033662.2); short protein forms L259fs, L260fs, L114fs.
Identifiers: ClinVar variation 2297972 (VCV002297972.2), dbSNP rs2057934167, ClinGen allele CA1022619750.